The following is an entry in ClinVar:

NM_007294.4(BRCA1):c.213-11T>C

Gene: BRCA1 (BRCA1 DNA repair associated; minus strand). Cytogenetic location: 17q21.31.
Variant type: single nucleotide variant.
Coding change: c.213-11T>C on transcript NM_007294.4 (MANE Select); 11 bases into the intron before coding-DNA position 213, T replaced by C.
Molecular consequence: intron variant.
Genome position (GRCh38, 1-based): chr17:43,104,967, A>G on the plus strand (T>C on the coding strand, the complement: BRCA1 is on the minus strand). VCF-style: chr17-43104967-A-G. GRCh37 (hg19) VCF-style: chr17-41256984-A-G.
Other names: c.135-11T>C (NM_001408415.1, NM_001407874.1, NM_001408416.1 and 21 more transcripts); c.3-11T>C (NM_001408483.1, NM_001407958.1, NM_001407955.1 and 58 more transcripts); c.213-11T>C (NM_001407634.1, NM_001407610.1, NM_001408442.1 and 167 more transcripts); c.-169-11T>C (NM_001407965.1, NM_001407959.1, NM_001407962.1 and 4 more transcripts); c.72-11T>C (NM_001407930.1, NM_001407843.1, NM_001408456.1 and 99 more transcripts); c.-218-10107T>C (NM_001407967.1, NM_001407966.1); c.81-11T>C (NM_001408451.1).
Identifiers: ClinVar variation 3073051 (VCV003073051.1), dbSNP rs80358061, ClinGen allele CA2825002526.

ClinVar aggregate classification (germline): Likely benign (1 of 4 stars; one submission).

Conditions:
Breast-ovarian cancer, familial, susceptibility to, 1 (BROVCA1). Also called: BRCA1 Hereditary Breast and Ovarian Cancer; OVARIAN CANCER, SUSCEPTIBILITY TO. Identifiers: Orphanet 145, MedGen C2676676, MONDO:0011450, OMIM 604370. Disease mechanism: loss of function.

Submission:

All of Us Research Program, National Institutes of Health
Classification: Likely benign for Breast-ovarian cancer, familial, susceptibility to, 1. Last evaluated: 2023-08-23. Review status: criteria provided, single submitter. Criteria: ACMG Guidelines, 2015. Collection method: clinical testing. Allele origin: germline. Inheritance: Autosomal dominant inheritance. Observed: 1 variant allele, 1 heterozygote.
Comment: This study involves interpretation of variants in research participants for the purpose of population health screening. Participant phenotype was not available at the time of variant classification. Additional details can be found in publication PMID: 35346344, PMCID: PMC8962531